The following is an entry in ClinVar:

NM_198859.4(PRICKLE2):c.396+5G>A

Gene: PRICKLE2 (prickle planar cell polarity protein 2; minus strand). Cytogenetic location: 3p14.1.
Variant type: single nucleotide variant.
Coding change: c.396+5G>A on transcript NM_198859.4 (MANE Select); 5 bases into the intron after coding-DNA position 396, G replaced by A.
Molecular consequence: intron variant.
Genome position (GRCh38, 1-based): chr3:64,159,935, C>T on the plus strand (G>A on the coding strand, the complement: PRICKLE2 is on the minus strand). VCF-style: chr3-64159935-C-T. GRCh37 (hg19) VCF-style: chr3-64145611-C-T.
Other names: c.396+5G>A (NM_001370528.1).
Identifiers: ClinVar variation 1449794 (VCV001449794.6), dbSNP rs2107039424, ClinGen allele CA2573137443.

ClinVar aggregate classification (germline): Uncertain significance (1 of 4 stars; one submission).

Conditions:
Progressive myoclonic epilepsy type 5. Identifiers: Orphanet 402082, MedGen C5190799.

Submission:

Labcorp Genetics (formerly Invitae), Labcorp
Classification: Uncertain significance for Progressive myoclonic epilepsy type 5. Last evaluated: 2023-07-07. Review status: criteria provided, single submitter. Criteria: Invitae Variant Classification Sherloc (09022015). Collection method: clinical testing. Allele origin: germline.
Comment: In summary, the available evidence is currently insufficient to determine the role of this variant in disease. Therefore, it has been classified as a Variant of Uncertain Significance. Variants that disrupt the consensus splice site are a relatively common cause of aberrant splicing (PMID: 17576681, 9536098). Algorithms developed to predict the effect of sequence changes on RNA splicing suggest that this variant is not likely to affect RNA splicing. ClinVar contains an entry for this variant (Variation ID: 1449794). This variant has not been reported in the literature in individuals affected with PRICKLE2-related conditions. This variant is not present in population databases (gnomAD no frequency). This sequence change falls in intron 4 of the PRICKLE2 gene. It does not directly change the encoded amino acid sequence of the PRICKLE2 protein. It affects a nucleotide within the consensus splice site.

Literature cited by the submitters: PubMed 17576681; PubMed 9536098.